The following is an entry in ClinVar:

NM_024753.5(TTC21B):c.1040A>G (p.Tyr347Cys)

Gene: TTC21B (tetratricopeptide repeat domain 21B; minus strand). Cytogenetic location: 2q24.3.
Variant type: single nucleotide variant.
Coding change: c.1040A>G on transcript NM_024753.5 (MANE Select); coding-DNA position 1040, A replaced by G.
Protein change: p.Tyr347Cys; replaces tyrosine 347 with cysteine.
Molecular consequence: missense variant.
Genome position (GRCh38, 1-based): chr2:165,930,219, T>C on the plus strand (A>G on the coding strand, the complement: TTC21B is on the minus strand). VCF-style: chr2-165930219-T-C. GRCh37 (hg19) VCF-style: chr2-166786729-T-C.
Other names: short protein forms Y347C.
Identifiers: ClinVar variation 2203170 (VCV002203170.1), dbSNP rs779121249, ClinGen allele CA59806153.

ClinVar aggregate classification (germline): Uncertain significance (1 of 4 stars; one submission).

Conditions:
Jeune thoracic dystrophy. Also called: Jeune syndrome; Infantile thoracic dystrophy; Thoracic pelvic phalangeal dystrophy; Jeune's syndrome; Chondroectodermal dysplasia-like syndrome; Short-rib thoracic dysplasia. Identifiers: Orphanet 474, MedGen C0265275, MONDO:0018770.
Nephronophthisis. Also called: Juvenile Nephronophthisis. Identifiers: Orphanet 655, MedGen C0687120, MONDO:0019005, HP:0000090.

gnomAD v4.1: 3 of 1,613,444 alleles (0.00019%); highest among the groups gnomAD compares: Non-Finnish European, 0.00017%; no homozygotes.

Submission:

Labcorp Genetics (formerly Invitae), Labcorp
Classification: Uncertain significance for Jeune thoracic dystrophy; Nephronophthisis. Last evaluated: 2021-08-30. Review status: criteria provided, single submitter. Criteria: Invitae Variant Classification Sherloc (09022015). Collection method: clinical testing. Allele origin: germline.
Comment: This sequence change replaces tyrosine with cysteine at codon 347 of the TTC21B protein (p.Tyr347Cys). The tyrosine residue is moderately conserved and there is a large physicochemical difference between tyrosine and cysteine. This variant is not present in population databases (ExAC no frequency). This missense change has been observed in individual(s) with Meckel syndrome (PMID: 21258341). Algorithms developed to predict the effect of missense changes on protein structure and function are either unavailable or do not agree on the potential impact of this missense change (SIFT: "Tolerated"; PolyPhen-2: "Probably Damaging"; Align-GVGD: "Class C0"). Algorithms developed to predict the effect of sequence changes on RNA splicing suggest that this variant may create or strengthen a splice site. In summary, the available evidence is currently insufficient to determine the role of this variant in disease. Therefore, it has been classified as a Variant of Uncertain Significance.

Literature cited by the submitters: PubMed 21258341.